The following is an entry in ClinVar:

ClinVar aggregate classification (germline): Pathogenic (1 of 4 stars; one submission).

Submission:

Labcorp Genetics (formerly Invitae), Labcorp
Classification: Pathogenic. Last evaluated: 2023-04-13. Review status: criteria provided, single submitter. Criteria: Invitae Variant Classification Sherloc (09022015). Collection method: clinical testing. Allele origin: unknown.
Comment: For these reasons, this variant has been classified as Pathogenic. A similar copy number variant has been observed in individual(s) with transient infantile hypertriglyceridemia (PMID: 33120465). This variant is a gross deletion of the genomic region encompassing exon(s) 1 of the GPD1 gene, which includes the initiator codon. This deletion extends beyond the assayed region for this gene and therefore may encompass additional genes. It is expected to result in an absent or disrupted protein product. Loss-of-function variants in GPD1 are known to be pathogenic (PMID: 22226083).

Literature cited by the submitters: PubMed 33120465; PubMed 22226083.

NC_000012.11:g.(?_50497834)_(50497894_?)del

Gene: GPD1 (glycerol-3-phosphate dehydrogenase 1; plus strand). Cytogenetic location: 12q13.12.
Variant type: Deletion.
Identifiers: ClinVar variation 3244385 (VCV003244385.1).